The following is an entry in ClinVar:

ClinVar aggregate classification (germline): Uncertain significance (1 of 4 stars; one submission).

Submission:

GeneDx
Classification: Uncertain significance. Last evaluated: 2024-02-06. Review status: criteria provided, single submitter. Criteria: GeneDx Variant Classification Process June 2021. Collection method: clinical testing. Allele origin: germline. Affected: yes.
Comment: Not observed at significant frequency in large population cohorts (gnomAD); In silico analysis supports that this missense variant has a deleterious effect on protein structure/function; Has not been previously published as pathogenic or benign to our knowledge

NM_002911.4(UPF1):c.1366A>G (p.Lys456Glu)

Gene: UPF1 (UPF1 RNA helicase and ATPase; plus strand). Cytogenetic location: 19p13.11.
Variant type: single nucleotide variant.
Coding change: c.1366A>G on transcript NM_002911.4 (MANE Select); coding-DNA position 1366, A replaced by G.
Protein change: p.Lys456Glu; replaces lysine 456 with glutamic acid.
Molecular consequence: missense variant.
Genome position (GRCh38, 1-based): chr19:18,854,979, A>G. VCF-style: chr19-18854979-A-G. GRCh37 (hg19) VCF-style: chr19-18965788-A-G.
Other names: c.1399A>G, p.Lys467Glu (NM_001297549.2); short protein forms K456E, K467E.
Identifiers: ClinVar variation 3368925 (VCV003368925.1).